The following is an entry in ClinVar:

NM_000535.7(PMS2):c.2266G>A (p.Asp756Asn)

Gene: PMS2 (PMS1 homolog 2, mismatch repair system component; minus strand). Cytogenetic location: 7p22.1.
Variant type: single nucleotide variant.
Coding change: c.2266G>A on transcript NM_000535.7 (MANE Select); coding-DNA position 2266, G replaced by A.
Protein change: p.Asp756Asn; replaces aspartic acid 756 with asparagine.
Molecular consequence: missense variant. On other transcripts: non-coding transcript variant (1).
Genome position (GRCh38, 1-based): chr7:5,978,605, C>T on the plus strand (G>A on the coding strand, the complement: PMS2 is on the minus strand). VCF-style: chr7-5978605-C-T. GRCh37 (hg19) VCF-style: chr7-6018236-C-T.
Other names: p.Asp756Asn; c.1861G>A, p.Asp621Asn (NM_001322003.2, NM_001322004.2, NM_001322005.2 and 1 more transcripts); c.2110G>A, p.Asp704Asn (NM_001322006.2); c.1948G>A, p.Asp650Asn (NM_001322007.2, NM_001322008.2); c.1705G>A, p.Asp569Asn (NM_001322010.2); c.1333G>A, p.Asp445Asn (NM_001322011.2, NM_001322012.2); c.1693G>A, p.Asp565Asn (NM_001322013.2); c.2266G>A, p.Asp756Asn (NM_001322014.2); and 1 more; short protein forms D756N, D650N, D565N, D653N, D445N, D569N, D621N, D704N.
Identifiers: ClinVar variation 234439 (VCV000234439.26), dbSNP rs762206330, ClinGen allele CA047182.

ClinVar aggregate classification (germline): Conflicting classifications of pathogenicity. Review status: criteria provided, conflicting classifications (1 of 4 stars). 11 submissions from 11 submitters: Uncertain significance (8); Likely benign (3). Last evaluated 2025-12-10.

Conditions:
Hereditary nonpolyposis colorectal neoplasms. Identifiers: MedGen C0009405, MeSH D003123.
Hereditary cancer-predisposing syndrome. Also called: Neoplastic Syndromes, Hereditary; Hereditary Cancer Syndrome; Tumor predisposition; Hereditary neoplastic syndrome. Identifiers: Orphanet 140162, MedGen C0027672, MeSH D009386, MONDO:0015356.
Lynch syndrome 4 (LYNCH4). Also called: Hereditary non-polyposis colorectal cancer, type 4; Colorectal cancer, hereditary nonpolyposis, type 4. Identifiers: Orphanet 144, MedGen C1838333, MONDO:0013699, OMIM 614337. Disease mechanism: loss of function.

Allele frequency attached by ClinVar (database versions not stated): ExAC 0.00003.

Submissions (11):

Color Diagnostics, LLC DBA Color Health
Classification: Uncertain significance for Hereditary cancer-predisposing syndrome. Last evaluated: 2025-12-10. Review status: criteria provided, single submitter. Criteria: ACMG Guidelines, 2015. Collection method: clinical testing. Allele origin: germline.
Comment: This missense variant replaces aspartic acid with asparagine at codon 756 of the PMS2 protein. Computational prediction suggests that this variant may not impact protein structure and function. To our knowledge, functional studies have not been reported for this variant. This variant has not been reported in individuals affected with PMS2-related disorders in the literature. This variant has been identified in 144/1599300 chromosomes in the general population by the Genome Aggregation Database (gnomAD). The available evidence is insufficient to determine the role of this variant in disease conclusively. Therefore, this variant is classified as a Variant of Uncertain Significance.

Institute for Biomarker Research, Medical Diagnostic Laboratories, L.L.C.
Classification: Uncertain significance for Hereditary cancer-predisposing syndrome. Last evaluated: 2025-12-08. Review status: criteria provided, single submitter. Criteria: ACMG Guidelines, 2015. Collection method: clinical testing. Allele origin: germline.
Comment: The missense variant NM_001322014.2(PMS2):c.2266G>A (p.Asp756Asn) has not been reported previously as a pathogenic variant, to our knowledge ( Accession: VCV000234439.22). The p.Asp756Asn variant is observed in 1/16,102 (0.0062%) alleles from individuals of gnomAD African background in gnomAD. There is a small physicochemical difference between aspartic acid and asparagine, which is not likely to impact secondary protein structure as these residues share similar properties. The p.Asp756Asn variant is not predicted to introduce a novel splice site by any splice site algorithm. The asparagine residue at codon 756 of PMS2 is present in Hedgehog and 1 other mammalian species. For these reasons, this variant has been classified as Uncertain Significance.

Women's Health and Genetics/Laboratory Corporation of America, LabCorp
Classification: Likely benign. Last evaluated: 2025-07-08. Review status: criteria provided, single submitter. Criteria: LabCorp Variant Classification Summary - May 2015. Collection method: clinical testing. Allele origin: germline.
Comment: Variant summary: PMS2 c.2266G>A (p.Asp756Asn) results in a conservative amino acid change located in the MutL, C-terminal dimerization domain (IPR014790) of the encoded protein sequence. Algorithms developed to predict the effect of missense changes on protein structure and function are either unavailable or do not agree on the potential impact of this missense change. The variant allele was found at a frequency of 8.9e-05 in 1592352 control chromosomes, predominantly at a frequency of 0.00012 within the Non-Finnish European subpopulation in the gnomAD database. The observed variant frequency within Non-Finnish European control individuals in the gnomAD database is approximately 1.7-fold of the estimated maximal expected allele frequency for a pathogenic variant in PMS2 causing Hereditary Nonpolyposis Colorectal Cancer phenotype (7.1e-05). To our knowledge, no occurrence of c.2266G>A in individuals affected with Hereditary Nonpolyposis Colorectal Cancer and no experimental evidence demonstrating its impact on protein function have been reported. ClinVar contains an entry for this variant (Variation ID: 234439). Based on the evidence outlined above, the variant was classified as likely benign.

Molecular Pathology, Peter Maccallum Cancer Centre
Classification: Uncertain significance for Lynch syndrome 4. Last evaluated: 2025-04-22. Review status: criteria provided, single submitter. Criteria: ACMG Guidelines, 2015. Collection method: clinical testing. Allele origin: germline. Inheritance: Autosomal dominant inheritance.

Mayo Clinic Laboratories, Mayo Clinic
Classification: Uncertain significance. Last evaluated: 2025-02-28. Review status: criteria provided, single submitter. Criteria: ACMG Guidelines, 2015. Collection method: clinical testing. Allele origin: germline. Observed: 1 variant allele.
Comment: BP4

Labcorp Genetics (formerly Invitae), Labcorp
Classification: Uncertain significance for Hereditary nonpolyposis colorectal neoplasms. Last evaluated: 2024-10-24. Review status: criteria provided, single submitter. Criteria: Invitae Variant Classification Sherloc (09022015). Collection method: clinical testing. Allele origin: germline.
Comment: This sequence change replaces aspartic acid, which is acidic and polar, with asparagine, which is neutral and polar, at codon 756 of the PMS2 protein (p.Asp756Asn). The frequency data for this variant in the population databases (gnomAD) is considered unreliable due to the presence of homologous sequence, such as pseudogenes or paralogs, in the genome. This variant has not been reported in the literature in individuals affected with PMS2-related conditions. ClinVar contains an entry for this variant (Variation ID: 234439). Invitae Evidence Modeling incorporating data from in vitro experimental studies (internal data) indicates that this missense variant is not expected to disrupt PMS2 function with a negative predictive value of 95%. In summary, the available evidence is currently insufficient to determine the role of this variant in disease. Therefore, it has been classified as a Variant of Uncertain Significance.

Ambry Genetics
Classification: Likely benign for Hereditary cancer-predisposing syndrome. Last evaluated: 2024-04-05. Review status: criteria provided, single submitter. Criteria: Ambry Variant Classification Scheme 2023. Collection method: clinical testing. Allele origin: germline.

GeneDx
Classification: Uncertain significance. Last evaluated: 2024-01-02. Review status: criteria provided, single submitter. Criteria: GeneDx Variant Classification Process June 2021. Collection method: clinical testing. Allele origin: germline. Affected: yes.
Comment: In silico analysis supports that this missense variant has a deleterious effect on protein structure/function; This variant is associated with the following publications: (PMID: Fukui2011[Chapter], 26483394, 30306255)

Blueprint Genetics
Classification: Likely benign. Last evaluated: 2023-12-12. Review status: criteria provided, single submitter. Criteria: ACMG Guidelines, 2015. Collection method: clinical testing. Allele origin: germline.

Baylor Genetics
Classification: Uncertain significance for Lynch syndrome 4. Last evaluated: 2023-02-10. Review status: criteria provided, single submitter. Criteria: ACMG Guidelines, 2015. Collection method: clinical testing. Allele origin: unknown.

Institute for Clinical Genetics, University Hospital TU Dresden, University Hospital TU Dresden
Classification: Uncertain significance. Last evaluated: 2021-11-03. Review status: criteria provided, single submitter. Criteria: ACMG Guidelines, 2015. Collection method: clinical testing. Allele origin: germline.

Literature cited by the submitters: PubMed 39334433 (cited by Women's Health and Genetics/Laboratory Corporation of America, LabCorp); PubMed 26483394 (cited by Ambry Genetics); PubMed 30306255 (cited by Ambry Genetics).